The following is an entry in ClinVar:

ClinVar aggregate classification (germline): Uncertain significance (1 of 4 stars; one submission).

gnomAD v4.1: 1 of 1,614,140 alleles (0.000062%); highest among the groups gnomAD compares: Admixed American, 0.0017%; no homozygotes.

Submission:

GeneDx
Classification: Uncertain significance. Last evaluated: 2024-04-14. Review status: criteria provided, single submitter. Criteria: GeneDx Variant Classification Process June 2021. Collection method: clinical testing. Allele origin: germline. Affected: yes.
Comment: Not observed at significant frequency in large population cohorts (gnomAD); In silico analysis supports that this missense variant has a deleterious effect on protein structure/function; Has not been previously published as pathogenic or benign to our knowledge; This substitution is predicted to be in the cytoplasmic loop between the first and second homologous domains

NM_001165963.4(SCN1A):c.1796A>G (p.Glu599Gly)

Gene: SCN1A (sodium voltage-gated channel alpha subunit 1; minus strand). Cytogenetic location: 2q24.3.
Variant type: single nucleotide variant.
Coding change: c.1796A>G on transcript NM_001165963.4 (MANE Select); coding-DNA position 1796, A replaced by G.
Protein change: p.Glu599Gly; replaces glutamic acid 599 with glycine.
Molecular consequence: missense variant. On other transcripts: 5 prime UTR variant (1), non-coding transcript variant (1).
Genome position (GRCh38, 1-based): chr2:166,043,916, T>C on the plus strand (A>G on the coding strand, the complement: SCN1A is on the minus strand). VCF-style: chr2-166043916-T-C. GRCh37 (hg19) VCF-style: chr2-166900426-T-C.
Other names: c.1796A>G, p.Glu599Gly (NM_001165964.3, NM_001202435.3, NM_001353948.2 and 7 more transcripts); c.1793A>G, p.Glu598Gly (NM_001353954.2, NM_001353955.2, NM_001353960.2); c.-630A>G (NM_001353961.2); short protein forms E598G, E599G.
Identifiers: ClinVar variation 3372561 (VCV003372561.1).